The following is an entry in ClinVar:

ClinVar aggregate classification (germline): Conflicting classifications of pathogenicity. Review status: criteria provided, conflicting classifications (1 of 4 stars). 3 submissions from 3 submitters: Pathogenic (2); Uncertain significance (1). Last evaluated 2026-05-27.

Conditions:
Colorectal cancer, hereditary nonpolyposis, type 7. Identifiers: Orphanet 144, MedGen C1858380, MONDO:0013725, OMIM 614385.

Allele frequency attached by ClinVar (database versions not stated): TOPMed 0.00001; gnomAD 0.00001; gnomAD exomes 0.00003.

Submissions (3):

Ambry Genetics
Classification: Pathogenic. Last evaluated: 2026-05-27. Review status: criteria provided, single submitter. Criteria: Ambry Variant Classification Scheme 2023. Collection method: clinical testing. Allele origin: germline.
Comment: The p.Q760* pathogenic mutation (also known as c.2278C>T), located in coding exon 1 of the MLH3 gene, results from a C to T substitution at nucleotide position 2278. This changes the amino acid from a glutamine to a stop codon within coding exon 1. This variant is considered to be rare based on population cohorts in the Genome Aggregation Database (gnomAD). This alteration is expected to result in loss of function by premature protein truncation or nonsense-mediated mRNA decay. As such, this alteration is interpreted as a disease-causing mutation.

Myriad Genetics, Inc.
Classification: Pathogenic for Colorectal cancer, hereditary nonpolyposis, type 7. Last evaluated: 2026-03-23. Review status: criteria provided, single submitter. Criteria: Myriad Autosomal Dominant, Autosomal Recessive and X-Linked Classification Criteria (2023). Collection method: clinical testing. Allele origin: unknown.
Comment: This variant is considered pathogenic. This variant creates a termination codon and is predicted to result in premature protein truncation.

Labcorp Genetics (formerly Invitae), Labcorp
Classification: Uncertain significance for Colorectal cancer, hereditary nonpolyposis, type 7. Last evaluated: 2024-01-05. Review status: criteria provided, single submitter. Criteria: Invitae Variant Classification Sherloc (09022015). Collection method: clinical testing. Allele origin: germline.
Comment: This sequence change creates a premature translational stop signal (p.Gln760*) in the MLH3 gene. It is expected to result in an absent or disrupted protein product. However, the current clinical and genetic evidence is not sufficient to establish whether loss-of-function variants in MLH3 cause disease. This variant is not present in population databases (gnomAD no frequency). This variant has not been reported in the literature in individuals affected with MLH3-related conditions. ClinVar contains an entry for this variant (Variation ID: 412521). In summary, the available evidence is currently insufficient to determine the role of this variant in disease. Therefore, it has been classified as a Variant of Uncertain Significance.

NM_001040108.2(MLH3):c.2278C>T (p.Gln760Ter)

Gene: MLH3 (mutL homolog 3; minus strand). Cytogenetic location: 14q24.3.
Variant type: single nucleotide variant.
Coding change: c.2278C>T on transcript NM_001040108.2 (MANE Select); coding-DNA position 2278, C replaced by T.
Protein change: p.Gln760Ter; replaces glutamine 760 with a stop codon.
Molecular consequence: nonsense.
Genome position (GRCh38, 1-based): chr14:75,047,378, G>A on the plus strand (C>T on the coding strand, the complement: MLH3 is on the minus strand). VCF-style: chr14-75047378-G-A. GRCh37 (hg19) VCF-style: chr14-75514081-G-A.
Other names: c.2278C>T, p.Gln760Ter (NM_014381.3); short protein forms Q760*.
Identifiers: ClinVar variation 412521 (VCV000412521.12), dbSNP rs199834594, ClinGen allele CA16614573.